The following is an entry in ClinVar:

NM_053025.4(MYLK):c.5353A>G (p.Lys1785Glu)

Genes: MYLK-AS1 (MYLK antisense RNA 1; plus strand), MYLK (myosin light chain kinase; minus strand). Cytogenetic location: 3q21.1.
Variant type: single nucleotide variant.
Coding change: c.5353A>G on transcript NM_053025.4 (MANE Select); coding-DNA position 5353, A replaced by G.
Protein change: p.Lys1785Glu; replaces lysine 1785 with glutamic acid.
Molecular consequence: missense variant.
Genome position (GRCh38, 1-based): chr3:123,620,222, T>C on the plus strand (A>G on the coding strand, the complement: MYLK is on the minus strand). VCF-style: chr3-123620222-T-C. GRCh37 (hg19) VCF-style: chr3-123339069-T-C.
Other names: c.4825A>G, p.Lys1609Glu (NM_001321309.2); c.5146A>G, p.Lys1716Glu (NM_053026.4); c.5200A>G, p.Lys1734Glu (NM_053027.4); c.4993A>G, p.Lys1665Glu (NM_053028.4); c.73A>G, p.Lys25Glu (NM_053031.4, NM_053032.4); short protein forms K1734E, K1785E, K25E, K1665E, K1609E, K1716E.
Identifiers: ClinVar variation 3401073 (VCV003401073.2).

ClinVar aggregate classification (germline): Uncertain significance. Review status: criteria provided, multiple submitters, no conflicts (2 of 4 stars). 2 submissions from 2 submitters: Uncertain significance (2). Last evaluated 2024-09-30.

Conditions:
Aortic aneurysm, familial thoracic 7 (AAT7). Also called: AORTIC DISSECTION, FAMILIAL, WITH OR WITHOUT AORTIC ANEURYSM. Identifiers: MedGen C3151077, MONDO:0013418, OMIM 613780.
Familial thoracic aortic aneurysm and aortic dissection (TAAD). Also called: Thoracic aortic aneurysms and dissections. Identifiers: Orphanet 91387, MedGen C4707243, MONDO:0019625.

gnomAD v4.1: 17 of 1,614,164 alleles (0.0011%); highest among the groups gnomAD compares: Non-Finnish European, 0.0014%; no homozygotes.

Submissions (2):

Ambry Genetics
Classification: Uncertain significance for Familial thoracic aortic aneurysm and aortic dissection. Last evaluated: 2024-09-30. Review status: criteria provided, single submitter. Criteria: Ambry Variant Classification Scheme 2023. Collection method: clinical testing. Allele origin: germline.
Comment: The p.K1785E variant (also known as c.5353A>G), located in coding exon 29 of the MYLK gene, results from an A to G substitution at nucleotide position 5353. The lysine at codon 1785 is replaced by glutamic acid, an amino acid with similar properties. This amino acid position is conserved. In addition, the in silico prediction for this alteration is inconclusive. Based on the available evidence, the clinical significance of this variant remains unclear.

Labcorp Genetics (formerly Invitae), Labcorp
Classification: Uncertain significance for Aortic aneurysm, familial thoracic 7. Last evaluated: 2024-04-17. Review status: criteria provided, single submitter. Criteria: Invitae Variant Classification Sherloc (09022015). Collection method: clinical testing. Allele origin: germline.
Comment: This sequence change replaces lysine, which is basic and polar, with glutamic acid, which is acidic and polar, at codon 1785 of the MYLK protein (p.Lys1785Glu). This variant is present in population databases (rs756479350, gnomAD 0.002%). This variant has not been reported in the literature in individuals affected with MYLK-related conditions. Advanced modeling of protein sequence and biophysical properties (such as structural, functional, and spatial information, amino acid conservation, physicochemical variation, residue mobility, and thermodynamic stability) performed at Invitae indicates that this missense variant is not expected to disrupt MYLK protein function with a negative predictive value of 80%. In summary, the available evidence is currently insufficient to determine the role of this variant in disease. Therefore, it has been classified as a Variant of Uncertain Significance.